The following is an entry in ClinVar:

ClinVar aggregate classification (germline): Uncertain significance (1 of 4 stars; one submission).

Conditions:
Cardiovascular phenotype. Identifiers: MedGen CN230736.

Submission:

Ambry Genetics
Classification: Uncertain significance for Cardiovascular phenotype. Last evaluated: 2025-12-07. Review status: criteria provided, single submitter. Criteria: Ambry Variant Classification Scheme 2023. Collection method: clinical testing. Allele origin: germline.
Comment: The p.G245E variant (also known as c.734G>A), located in coding exon 7 of the NEXN gene, results from a G to A substitution at nucleotide position 734. The glycine at codon 245 is replaced by glutamic acid, an amino acid with similar properties. This amino acid position is conserved. In addition, the in silico prediction for this alteration is inconclusive. Based on the available evidence, the clinical significance of this variant remains unclear.

NM_144573.4(NEXN):c.734G>A (p.Gly245Glu)

Gene: NEXN (nexilin F-actin binding protein; plus strand). Cytogenetic location: 1p31.1.
Variant type: single nucleotide variant.
Coding change: c.734G>A on transcript NM_144573.4 (MANE Select); coding-DNA position 734, G replaced by A.
Protein change: p.Gly245Glu; replaces glycine 245 with glutamic acid.
Molecular consequence: missense variant.
Genome position (GRCh38, 1-based): chr1:77,926,762, G>A. VCF-style: chr1-77926762-G-A. GRCh37 (hg19) VCF-style: chr1-78392447-G-A.
Other names: c.542G>A, p.Gly181Glu (NM_001172309.2); short protein forms G245E, G181E.
Identifiers: ClinVar variation 4614695 (VCV004614695.1).